The following is an entry in ClinVar:

ClinVar aggregate classification (germline): Uncertain significance (1 of 4 stars; one submission).

Allele frequency attached by ClinVar (database versions not stated): TOPMed below 0.00001; gnomAD exomes 0.00001.
gnomAD v4.1: 9 of 1,613,598 alleles (0.00056%); highest among the groups gnomAD compares: Non-Finnish European, 0.00076%; no homozygotes.

Submission:

Labcorp Genetics (formerly Invitae), Labcorp
Classification: Uncertain significance. Last evaluated: 2024-02-24. Review status: criteria provided, single submitter. Criteria: Invitae Variant Classification Sherloc (09022015). Collection method: clinical testing. Allele origin: germline.
Comment: This sequence change replaces tyrosine, which is neutral and polar, with histidine, which is basic and polar, at codon 380 of the MYO15A protein (p.Tyr380His). This variant is not present in population databases (gnomAD no frequency). This variant has not been reported in the literature in individuals affected with MYO15A-related conditions. ClinVar contains an entry for this variant (Variation ID: 2042651). Advanced modeling of protein sequence and biophysical properties (such as structural, functional, and spatial information, amino acid conservation, physicochemical variation, residue mobility, and thermodynamic stability) performed at Invitae indicates that this missense variant is not expected to disrupt MYO15A protein function with a negative predictive value of 95%. In summary, the available evidence is currently insufficient to determine the role of this variant in disease. Therefore, it has been classified as a Variant of Uncertain Significance.

NM_016239.4(MYO15A):c.1138T>C (p.Tyr380His)

Gene: MYO15A (myosin XVA; plus strand). Cytogenetic location: 17p11.2.
Variant type: single nucleotide variant.
Coding change: c.1138T>C on transcript NM_016239.4 (MANE Select); coding-DNA position 1138, T replaced by C.
Protein change: p.Tyr380His; replaces tyrosine 380 with histidine.
Molecular consequence: missense variant.
Genome position (GRCh38, 1-based): chr17:18,119,938, T>C. VCF-style: chr17-18119938-T-C. GRCh37 (hg19) VCF-style: chr17-18023252-T-C.
Other names: short protein forms Y380H.
Identifiers: ClinVar variation 2042651 (VCV002042651.4), dbSNP rs1051392093, ClinGen allele CA288386686.